The following is an entry in ClinVar:

ClinVar aggregate classification (germline): Uncertain significance (0 of 4 stars; one submission).

Conditions:
KMT2E-related disorder. Also called: KMT2E-related condition.

Submission:

PreventionGenetics, part of Exact Sciences
Classification: Uncertain significance for KMT2E-related condition. Last evaluated: 2024-09-04. Review status: no assertion criteria provided. Collection method: clinical testing. Allele origin: germline.
Comment: The KMT2E c.1112A>G variant is predicted to result in the amino acid substitution p.Asn371Ser. To our knowledge, this variant has not been reported in the literature or in a large population database, indicating this variant is rare. At this time, the clinical significance of this variant is uncertain due to the absence of conclusive functional and genetic evidence.

NM_182931.3(KMT2E):c.1112A>G (p.Asn371Ser)

Gene: KMT2E (lysine methyltransferase 2E (inactive); plus strand). Cytogenetic location: 7q22.3.
Variant type: single nucleotide variant.
Coding change: c.1112A>G on transcript NM_182931.3 (MANE Select); coding-DNA position 1112, A replaced by G.
Protein change: p.Asn371Ser; replaces asparagine 371 with serine.
Molecular consequence: missense variant.
Genome position (GRCh38, 1-based): chr7:105,077,415, A>G. VCF-style: chr7-105077415-A-G. GRCh37 (hg19) VCF-style: chr7-104717862-A-G.
Other names: c.1112A>G, p.Asn371Ser (NM_001410908.1, NM_018682.4); short protein forms N371S.
Identifiers: ClinVar variation 3347542 (VCV003347542.1).
Genomic context (GRCh38, chr7:105,077,415, plus strand): 5'-CTGATGCACTTATCATTGAATACAGAGGGAAGTTTATGCTGAGAGAACAGTTTGAAGCAA[A>G]TGGGTATTTCTTTAAAAGGTATATTCATTTATTTTCCCATGTTCATTTTCTGTAGGTAAA-3'
Protein context (NP_891847.1, residues 361-381): KFMLREQFEA[Asn371Ser]GYFFKRPYPF